The following is an entry in ClinVar:

NM_174936.4(PCSK9):c.618G>A (p.Glu206=)

Gene: PCSK9 (proprotein convertase subtilisin/kexin type 9; plus strand). Cytogenetic location: 1p32.3.
Variant type: single nucleotide variant.
Coding change: c.618G>A on transcript NM_174936.4 (MANE Select); coding-DNA position 618, G replaced by A.
Protein change: p.Glu206=; no amino-acid change (glutamic acid 206 retained).
Molecular consequence: synonymous variant. On other transcripts: non-coding transcript variant (8).
Genome position (GRCh38, 1-based): chr1:55,052,372, G>A. VCF-style: chr1-55052372-G-A. GRCh37 (hg19) VCF-style: chr1-55518045-G-A.
Other names: c.741G>A, p.Glu247= (NM_001407240.1); c.618G>A, p.Glu206= (NM_001407241.1, NM_001407242.1, NM_001407244.1 and 1 more transcripts); c.561G>A, p.Glu187= (NM_001407243.1); c.426G>A, p.Glu142= (NM_001407245.1); c.243G>A, p.Glu81= (NM_001407246.1).
Identifiers: ClinVar variation 2037422 (VCV002037422.6), dbSNP rs144721237, ClinGen allele CA043456.

ClinVar aggregate classification (germline): Likely benign. Review status: criteria provided, multiple submitters, no conflicts (2 of 4 stars). 3 submissions from 3 submitters: Likely benign (3). Last evaluated 2023-05-16.

Conditions:
Familial hypercholesterolemia. Also called: Familial hypercholesterolemias; Familial hypercholesterolaemia. Identifiers: MedGen C0020445, MONDO:0005439.
Hypercholesterolemia, autosomal dominant, 3 (FHCL3). Also called: Familial hypercholesterolemia 3; Familial Hypercholesterolemia, Autosomal Dominant, 3; PCSK9-Related Familial Hypercholesterolemia, Autosomal Dominant. Identifiers: MedGen C1863551, MONDO:0011369, OMIM 603776.

Allele frequency attached by ClinVar (database versions not stated): gnomAD 0.00001; TOPMed 0.00001; ExAC 0.00007; ESP Exome Variant Server 0.00008.
gnomAD v4.1: 17 of 1,613,804 alleles (0.0011%); highest among the groups gnomAD compares: Non-Finnish European, 0.0011%; no homozygotes.

Submissions (3):

All of Us Research Program, National Institutes of Health
Classification: Likely benign for Hypercholesterolemia, autosomal dominant, 3. Last evaluated: 2023-05-16. Review status: criteria provided, single submitter. Criteria: ACMG Guidelines, 2015. Collection method: clinical testing. Allele origin: germline. Inheritance: Autosomal dominant inheritance. Observed: 1 variant allele, 1 heterozygote.
Comment: This study involves interpretation of variants in research participants for the purpose of population health screening. Participant phenotype was not available at the time of variant classification. Additional details can be found in publication PMID: 35346344, PMCID: PMC8962531

Labcorp Genetics (formerly Invitae), Labcorp
Classification: Likely benign for Hypercholesterolemia, autosomal dominant, 3. Last evaluated: 2023-03-16. Review status: criteria provided, single submitter. Criteria: Invitae Variant Classification Sherloc (09022015). Collection method: clinical testing. Allele origin: germline.

Color Diagnostics, LLC DBA Color Health
Classification: Likely benign for Familial hypercholesterolemia. Last evaluated: 2022-11-06. Review status: criteria provided, single submitter. Criteria: ACMG Guidelines, 2015. Collection method: clinical testing. Allele origin: germline.